The following is an entry in ClinVar:

ClinVar aggregate classification (germline): Pathogenic (1 of 4 stars; one submission).

Conditions:
LAMA2-related muscular dystrophy (LAMA2-RD). Also called: Laminin alpha 2-related dystrophy. Identifiers: MedGen C5679788, MONDO:0100228.

Submission:

Labcorp Genetics (formerly Invitae), Labcorp
Classification: Pathogenic for LAMA2-related muscular dystrophy. Last evaluated: 2022-01-31. Review status: criteria provided, single submitter. Criteria: Invitae Variant Classification Sherloc (09022015). Collection method: clinical testing. Allele origin: germline.
Comment: This variant has not been reported in the literature in individuals affected with LAMA2-related conditions. For these reasons, this variant has been classified as Pathogenic. This variant is not present in population databases (gnomAD no frequency). This sequence change creates a premature translational stop signal (p.Trp3025*) in the LAMA2 gene. It is expected to result in an absent or disrupted protein product. Loss-of-function variants in LAMA2 are known to be pathogenic (PMID: 18700894, 32904964).

Literature cited by the submitters: PubMed 18700894; PubMed 32904964.

NM_000426.4(LAMA2):c.9075G>A (p.Trp3025Ter)

Gene: LAMA2 (laminin subunit alpha 2; plus strand). Cytogenetic location: 6q22.33.
Variant type: single nucleotide variant.
Coding change: c.9075G>A on transcript NM_000426.4 (MANE Select); coding-DNA position 9075, G replaced by A.
Protein change: p.Trp3025Ter; replaces tryptophan 3025 with a stop codon.
Molecular consequence: nonsense.
Genome position (GRCh38, 1-based): chr6:129,514,459, G>A. VCF-style: chr6-129514459-G-A. GRCh37 (hg19) VCF-style: chr6-129835604-G-A.
Other names: c.9063G>A, p.Trp3021Ter (NM_001079823.2); short protein forms W3025*, W3021*.
Identifiers: ClinVar variation 2091154 (VCV002091154.4), dbSNP rs2533599065, ClinGen allele CA365636875.